The following is an entry in ClinVar:

NM_000540.3(RYR1):c.7166A>G (p.Asp2389Gly)

Gene: RYR1 (ryanodine receptor 1; plus strand). Cytogenetic location: 19q13.2.
Variant type: single nucleotide variant.
Coding change: c.7166A>G on transcript NM_000540.3 (MANE Select); coding-DNA position 7166, A replaced by G.
Protein change: p.Asp2389Gly; replaces aspartic acid 2389 with glycine.
Molecular consequence: missense variant.
Genome position (GRCh38, 1-based): chr19:38,499,773, A>G. VCF-style: chr19-38499773-A-G. GRCh37 (hg19) VCF-style: chr19-38990413-A-G.
Other names: c.7166A>G, p.Asp2389Gly (NM_001042723.2); short protein forms D2389G.
Identifiers: ClinVar variation 1708106 (VCV001708106.4), dbSNP rs2514313573, ClinGen allele CA405668547.
Genomic context (GRCh38, chr19:38,499,773, plus strand): 5'-GGGGTGAGGGTGGCTCAGGGCTGCTGGCTGCCATCGAAGAGGCCATCCGCATCTCCGAGG[A>G]CCCTGCGAGGGATGGCCCAGGCATCCGCAGGGACCGGCGGCGCGAGCAGTGAGTCTCCCG-3'
Protein context (NP_000531.2, residues 2379-2399): AIEEAIRISE[Asp2389Gly]PARDGPGIRR

ClinVar aggregate classification (germline): Uncertain significance. Review status: criteria provided, multiple submitters, no conflicts (2 of 4 stars). 2 submissions from 2 submitters: Uncertain significance (2). Last evaluated 2023-10-07.

Conditions:
RYR1-related disorder. Also called: RYR1-related condition; RYR1-related disorders. Identifiers: MedGen CN239331.
Central core myopathy (CMYO1A). Also called: CONGENITAL MYOPATHY 1A, AUTOSOMAL DOMINANT, WITH SUSCEPTIBILITY TO MALIGNANT HYPERTHERMIA; Central core disease; Myopathy, central fibrillar. Identifiers: Orphanet 597, MedGen C5830701, MONDO:0007294, OMIM 117000.

Submissions (2):

Labcorp Genetics (formerly Invitae), Labcorp
Classification: Uncertain significance for RYR1-related disorder. Last evaluated: 2023-10-07. Review status: criteria provided, single submitter. Criteria: Invitae Variant Classification Sherloc (09022015). Collection method: clinical testing. Allele origin: germline.
Comment: This sequence change replaces aspartic acid, which is acidic and polar, with glycine, which is neutral and non-polar, at codon 2389 of the RYR1 protein (p.Asp2389Gly). This variant is not present in population databases (gnomAD no frequency). This variant has not been reported in the literature in individuals affected with RYR1-related conditions. ClinVar contains an entry for this variant (Variation ID: 1708106). Advanced modeling of protein sequence and biophysical properties (such as structural, functional, and spatial information, amino acid conservation, physicochemical variation, residue mobility, and thermodynamic stability) has been performed at Invitae for this missense variant, however the output from this modeling did not meet the statistical confidence thresholds required to predict the impact of this variant on RYR1 protein function. In summary, the available evidence is currently insufficient to determine the role of this variant in disease. Therefore, it has been classified as a Variant of Uncertain Significance.

Laboratory of Medical Genetics, National & Kapodistrian University of Athens
Classification: Uncertain significance for Central core myopathy. Last evaluated: 2022-06-02. Review status: criteria provided, single submitter. Criteria: ACMG Guidelines, 2015. Collection method: clinical testing. Allele origin: germline. Affected: yes.
Comment: PM2, PP3